The following is an entry in ClinVar:

ClinVar aggregate classification (germline): Uncertain significance (1 of 4 stars; one submission).

Conditions:
MED12-Related Disorders. Also called: MED12-related condition; MED12-related disorder. Identifiers: MedGen CN381102.

Allele frequency attached by ClinVar (database versions not stated): gnomAD exomes below 0.00001; gnomAD 0.00001.

Submission:

PreventionGenetics, part of Exact Sciences
Classification: Uncertain significance for MED12-related condition. Last evaluated: 2023-03-03. Review status: criteria provided, single submitter. Criteria: ACMG Guidelines, 2015. Collection method: clinical testing. Allele origin: germline.
Comment: The MED12 c.2736G>A variant is not predicted to result in an amino acid change (p.=). This variant is predicted to alter splicing based on available splicing prediction programs (Alamut Visual Plus v1.6.1). However, the use of computer prediction programs is not equivalent to functional evidence. To our knowledge, this variant has not been reported in the literature. This variant is reported in 0.0093% of alleles in individuals of European (Non-Finnish) descent in gnomAD. At this time, the clinical significance of this variant is uncertain due to the absence of conclusive functional and genetic evidence.

NM_005120.3(MED12):c.2736G>A (p.Ser912=)

Gene: MED12 (mediator complex subunit 12; plus strand). Cytogenetic location: Xq13.1.
Variant type: single nucleotide variant.
Coding change: c.2736G>A on transcript NM_005120.3 (MANE Select); coding-DNA position 2736, G replaced by A.
Protein change: p.Ser912=; no amino-acid change (serine 912 retained).
Molecular consequence: synonymous variant.
Genome position (GRCh38, 1-based): chrX:71,127,019, G>A. VCF-style: chrX-71127019-G-A. GRCh37 (hg19) VCF-style: chrX-70346869-G-A.
Identifiers: ClinVar variation 2637061 (VCV002637061.1), dbSNP rs1337575770, ClinGen allele CA516819114.